The following is an entry in ClinVar:

NM_004341.5(CAD):c.933_934del (p.Phe312fs)

Gene: CAD (carbamoyl-phosphate synthetase 2, aspartate transcarbamylase, and dihydroorotase; plus strand). Cytogenetic location: 2p23.3.
Variant type: Microsatellite.
Coding change: c.933_934del on transcript NM_004341.5 (MANE Select); coding-DNA positions 933 to 934, 2 bases deleted (CT; older notation c.933_934delCT).
Protein change: p.Phe312fs; shifts the reading frame from phenylalanine 312.
Molecular consequence: frameshift variant.
Genome position (GRCh38, 1-based): chr2:27,223,686-27,223,687, CT deleted; deleting any 2 consecutive bases within chr2:27,223,682-27,223,687 gives the same sequence; the c. name uses the placement nearest the transcript's 3' end. VCF-style (leftmost placement, unchanged base first): chr2-27223681-CCT-C. GRCh37 (hg19) VCF-style: chr2-27446549-CCT-C.
Other names: c.933_934del, p.Phe312fs (NM_001306079.2); short protein forms F312fs.
Identifiers: ClinVar variation 3254721 (VCV003254721.1), dbSNP rs2465293335.

ClinVar aggregate classification (germline): Pathogenic (1 of 4 stars; one submission).

Conditions:
Developmental and epileptic encephalopathy, 50 (DEE50). Also called: Epileptic encephalopathy, early infantile, 50. Identifiers: Orphanet 448010, MedGen C4225320, MONDO:0014647, OMIM 616457.

Submission:

Victorian Clinical Genetics Services, Murdoch Childrens Research Institute
Classification: Pathogenic for Developmental and epileptic encephalopathy, 50. Last evaluated: 2023-07-17. Review status: criteria provided, single submitter. Criteria: ACMG Guidelines, 2015. Collection method: clinical testing. Allele origin: germline. Inheritance: Autosomal recessive inheritance.
Comment: Based on the classification scheme VCGS_Germline_v1.3.4, this variant is classified as Pathogenic. Following criteria are met: 0102 - Loss of function is a known mechanism of disease in this gene and is associated with developmental and epileptic encephalopathy 50 (MIM#616457). (I) 0106 - This gene is associated with autosomal recessive disease. (I) 0201 - Variant is predicted to cause nonsense-mediated decay (NMD) and loss of protein (premature termination codon is located at least 54 nucleotides upstream of the final exon-exon junction). (SP) 0251 - This variant is heterozygous. (I) 0301 - Variant is absent from gnomAD (both v2 and v3). (SP) 0701 - Other NMD-predicted variants comparable to the one identified in this case have very strong previous evidence for pathogenicity. These variants have been classified as pathogenic, and reported in multiple individuals with epileptic encephalopathy (ClinVar, PMID: 32820246). (SP) 0807 - This variant has no previous evidence of pathogenicity. (I) 0905 - No published segregation evidence has been identified for this variant. (I) 1007 - No published functional evidence has been identified for this variant. (SP) Legend: (SP) - Supporting pathogenic, (I) - Information, (SB) - Supporting benign

Literature cited by the submitters: PubMed 32820246.